The following is an entry in ClinVar:

ClinVar aggregate classification (germline): Uncertain significance (1 of 4 stars; one submission).

Submission:

GeneDx
Classification: Uncertain significance. Last evaluated: 2023-07-11. Review status: criteria provided, single submitter. Criteria: GeneDx Variant Classification Process June 2021. Collection method: clinical testing. Allele origin: germline. Affected: yes.
Comment: Not observed at significant frequency in large population cohorts (gnomAD); In silico analysis supports that this missense variant has a deleterious effect on protein structure/function; Has not been previously published as pathogenic or benign to our knowledge

NM_001199799.2(ILDR1):c.1267G>T (p.Asp423Tyr)

Gene: ILDR1 (immunoglobulin like domain containing receptor 1; minus strand). Cytogenetic location: 3q13.33.
Variant type: single nucleotide variant.
Coding change: c.1267G>T on transcript NM_001199799.2 (MANE Select); coding-DNA position 1267, G replaced by T.
Protein change: p.Asp423Tyr; replaces aspartic acid 423 with tyrosine.
Molecular consequence: missense variant.
Genome position (GRCh38, 1-based): chr3:121,993,482, C>A on the plus strand (G>T on the coding strand, the complement: ILDR1 is on the minus strand). VCF-style: chr3-121993482-C-A. GRCh37 (hg19) VCF-style: chr3-121712329-C-A.
Other names: c.1000G>T, p.Asp334Tyr (NM_001199800.2); c.1135G>T, p.Asp379Tyr (NM_175924.4); short protein forms D334Y, D379Y, D423Y.
Identifiers: ClinVar variation 3360860 (VCV003360860.1).